The following is an entry in ClinVar:

NM_001144967.3(NEDD4L):c.2786A>G (p.Gln929Arg)

Gene: NEDD4L (NEDD4 like E3 ubiquitin protein ligase; plus strand). Cytogenetic location: 18q21.31.
Variant type: single nucleotide variant.
Coding change: c.2786A>G on transcript NM_001144967.3 (MANE Select); coding-DNA position 2786, A replaced by G.
Protein change: p.Gln929Arg; replaces glutamine 929 with arginine.
Molecular consequence: missense variant.
Genome position (GRCh38, 1-based): chr18:58,391,520, A>G. VCF-style: chr18-58391520-A-G. GRCh37 (hg19) VCF-style: chr18-56058752-A-G.
Other names: c.2423A>G, p.Gln808Arg (NM_001144964.1, NM_001144965.2, NM_001144966.3); c.2762A>G, p.Gln921Arg (NM_001144968.2); c.2702A>G, p.Gln901Arg (NM_001144969.2); c.2363A>G, p.Gln788Arg (NM_001144970.3, NM_001144971.2); c.2594A>G, p.Gln865Arg (NM_001243960.2); c.2726A>G, p.Gln909Arg (NM_015277.6); short protein forms Q901R, Q921R, Q788R, Q929R, Q808R, Q865R, Q909R.
Identifiers: ClinVar variation 1945983 (VCV001945983.5), dbSNP rs531389307, ClinGen allele CA8976057.

ClinVar aggregate classification (germline): Uncertain significance (1 of 4 stars; one submission).

Allele frequency attached by ClinVar (database versions not stated): gnomAD exomes below 0.00001; TOPMed below 0.00001; gnomAD 0.00001; ExAC 0.00003; 1000 Genomes Project 0.00020; 1000 Genomes Project 30x 0.00031.
gnomAD v4.1: 5 of 1,583,830 alleles (0.00032%); highest among the groups gnomAD compares: East Asian, 0.0046%; no homozygotes.

Submission:

Labcorp Genetics (formerly Invitae), Labcorp
Classification: Uncertain significance. Last evaluated: 2024-10-30. Review status: criteria provided, single submitter. Criteria: Invitae Variant Classification Sherloc (09022015). Collection method: clinical testing. Allele origin: germline.
Comment: This sequence change replaces glutamine, which is neutral and polar, with arginine, which is basic and polar, at codon 909 of the NEDD4L protein (p.Gln909Arg). This variant is present in population databases (rs531389307, gnomAD 0.01%). This variant has not been reported in the literature in individuals affected with NEDD4L-related conditions. ClinVar contains an entry for this variant (Variation ID: 1945983). Invitae Evidence Modeling of protein sequence and biophysical properties (such as structural, functional, and spatial information, amino acid conservation, physicochemical variation, residue mobility, and thermodynamic stability) indicates that this missense variant is not expected to disrupt NEDD4L protein function with a negative predictive value of 80%. In summary, the available evidence is currently insufficient to determine the role of this variant in disease. Therefore, it has been classified as a Variant of Uncertain Significance.